The following is an entry in ClinVar:

ClinVar aggregate classification (germline): Uncertain significance (1 of 4 stars; one submission).

Conditions:
Familial hemophagocytic lymphohistiocytosis 3 (FHL3). Also called: UNC13D-Related Familial Hemophagocytic Lymphohistiocytosis (UNC13D-fHLH). Identifiers: Orphanet 540, MedGen C1837174, MONDO:0012146, OMIM 608898.

Submission:

Labcorp Genetics (formerly Invitae), Labcorp
Classification: Uncertain significance for Familial hemophagocytic lymphohistiocytosis 3. Last evaluated: 2022-03-18. Review status: criteria provided, single submitter. Criteria: Invitae Variant Classification Sherloc (09022015). Collection method: clinical testing. Allele origin: germline.
Comment: Algorithms developed to predict the effect of missense changes on protein structure and function are either unavailable or do not agree on the potential impact of this missense change (SIFT: "Not Available"; PolyPhen-2: "Benign"; Align-GVGD: "Not Available"). This sequence change replaces glutamic acid, which is acidic and polar, with glycine, which is neutral and non-polar, at codon 554 of the UNC13D protein (p.Glu554Gly). This variant is not present in population databases (gnomAD no frequency). This variant has not been reported in the literature in individuals affected with UNC13D-related conditions. In summary, the available evidence is currently insufficient to determine the role of this variant in disease. Therefore, it has been classified as a Variant of Uncertain Significance.

NM_199242.3(UNC13D):c.1661A>G (p.Glu554Gly)

Gene: UNC13D (unc-13 homolog D; minus strand). Cytogenetic location: 17q25.1.
Variant type: single nucleotide variant.
Coding change: c.1661A>G on transcript NM_199242.3 (MANE Select); coding-DNA position 1661, A replaced by G.
Protein change: p.Glu554Gly; replaces glutamic acid 554 with glycine.
Molecular consequence: missense variant.
Genome position (GRCh38, 1-based): chr17:75,835,713, T>C on the plus strand (A>G on the coding strand, the complement: UNC13D is on the minus strand). VCF-style: chr17-75835713-T-C. GRCh37 (hg19) VCF-style: chr17-73831794-T-C.
Other names: short protein forms E554G.
Identifiers: ClinVar variation 2081120 (VCV002081120.4), dbSNP rs761311095, ClinGen allele CA401094177.